The following is an entry in ClinVar:

NM_000094.4(COL7A1):c.7417G>A (p.Glu2473Lys)

Gene: COL7A1 (collagen type VII alpha 1 chain; minus strand). Cytogenetic location: 3p21.31.
Variant type: single nucleotide variant.
Coding change: c.7417G>A on transcript NM_000094.4 (MANE Select); coding-DNA position 7417, G replaced by A.
Protein change: p.Glu2473Lys; replaces glutamic acid 2473 with lysine.
Molecular consequence: missense variant.
Genome position (GRCh38, 1-based): chr3:48,570,298, C>T on the plus strand (G>A on the coding strand, the complement: COL7A1 is on the minus strand). VCF-style: chr3-48570298-C-T. GRCh37 (hg19) VCF-style: chr3-48607731-C-T.
Other names: short protein forms E2473K.
Identifiers: ClinVar variation 761882 (VCV000761882.11), dbSNP rs199819125, ClinGen allele CA2378512.
Genomic context (GRCh38, chr3:48,570,298, plus strand): 5'-ATGAAGGGAGTTCGGCTGTGGAGTAAGACATACGTACCCGGATGCCTGGCTCCCCACGCT[C>T]GCCTCGGGGCCCAGGCAGCCCTACTCCAGGGTCTCCCTGGAGACCAACAGGACACCGGGG-3'
Protein context (NP_000085.1, residues 2463-2483): PGVGLPGPRG[Glu2473Lys]RGEPGIRGED

ClinVar aggregate classification (germline): Conflicting classifications of pathogenicity. Review status: criteria provided, conflicting classifications (1 of 4 stars). 3 submissions from 3 submitters: Uncertain significance (1); Likely benign (1). 1 of the submissions does not count toward it. Last evaluated 2026-01-28.

Conditions:
Epidermolysis bullosa dystrophica inversa, autosomal recessive. Identifiers: MedGen C2673612.

Allele frequency attached by ClinVar (database versions not stated): ESP Exome Variant Server 0.00008; TOPMed 0.00008; gnomAD exomes 0.00012 and 0.00023; ExAC 0.00018; gnomAD 0.00021 and 0.00024.
gnomAD v4.1: 217 of 1,613,926 alleles (0.013%); highest among the groups gnomAD compares: South Asian, 0.0044%; no homozygotes.

Submissions (3):

Labcorp Genetics (formerly Invitae), Labcorp
Classification: Likely benign. Last evaluated: 2026-01-28. Review status: criteria provided, single submitter. Criteria: Invitae Variant Classification Sherloc (09022015). Collection method: clinical testing. Allele origin: germline.

GeneDx
Classification: Uncertain significance. Last evaluated: 2023-11-10. Review status: criteria provided, single submitter. Criteria: GeneDx Variant Classification Process June 2021. Collection method: clinical testing. Allele origin: germline. Affected: yes.
Comment: In silico analysis supports that this missense variant does not alter protein structure/function; Has not been previously published as pathogenic or benign, in association with COL7A1-related dystrophic epidermolysis bullosa to our knowledge; This variant is associated with the following publications: (PMID: 33974636)

Natera, Inc.
Classification: Uncertain significance for Autosomal recessive epidermolysis bullosa dystrophica inversa. Last evaluated: 2020-09-23. Review status: no assertion criteria provided. Collection method: clinical testing. Allele origin: germline. Not counted in ClinVar's aggregate classification.